The following is an entry in ClinVar:

NM_004333.6(BRAF):c.94G>C (p.Gly32Arg)

Gene: BRAF (B-Raf proto-oncogene, serine/threonine kinase; minus strand). Cytogenetic location: 7q34.
Variant type: single nucleotide variant.
Coding change: c.94G>C on transcript NM_004333.6 (MANE Select); coding-DNA position 94, G replaced by C.
Protein change: p.Gly32Arg; replaces glycine 32 with arginine.
Molecular consequence: missense variant.
Genome position (GRCh38, 1-based): chr7:140,924,610, C>G on the plus strand (G>C on the coding strand, the complement: BRAF is on the minus strand). VCF-style: chr7-140924610-C-G. GRCh37 (hg19) VCF-style: chr7-140624410-C-G.
Other names: c.94G>C, p.Gly32Arg (NM_001354609.2, NM_001374244.1, NM_001374258.1 and 7 more transcripts); short protein forms G32R.
Identifiers: ClinVar variation 1690925 (VCV001690925.2), dbSNP rs1325363555, ClinGen allele CA369590112.

ClinVar aggregate classification (germline): Uncertain significance (1 of 4 stars; one submission).

Submission:

Laboratorio de Genetica e Diagnostico Molecular, Hospital Israelita Albert Einstein
Classification: Uncertain significance. Last evaluated: 2020-08-17. Review status: criteria provided, single submitter. Criteria: ACMG Guidelines, 2015. Collection method: clinical testing. Allele origin: germline. Affected: yes.
Comment: ACMG classification criteria: PM2, PP2, BP4